The following is an entry in ClinVar:

NM_152263.4(TPM3):c.636G>A (p.Ala212=)

Gene: TPM3 (tropomyosin 3; minus strand). Cytogenetic location: 1q21.3.
Variant type: single nucleotide variant.
Coding change: c.636G>A on transcript NM_152263.4 (MANE Select); coding-DNA position 636, G replaced by A.
Protein change: p.Ala212=; no amino-acid change (alanine 212 retained).
Molecular consequence: synonymous variant. On other transcripts: intron variant (8).
Genome position (GRCh38, 1-based): chr1:154,171,419, C>T on the plus strand (G>A on the coding strand, the complement: TPM3 is on the minus strand). VCF-style: chr1-154171419-C-T. GRCh37 (hg19) VCF-style: chr1-154143895-C-T.
Other names: c.525G>A, p.Ala175= (NM_001043351.2, NM_001043353.2, NM_001349679.2); c.255G>A, p.Ala85= (NM_001278191.2); c.636G>A, p.Ala212= (NM_001364679.2, NM_001364681.2); c.642+610G>A (NM_001364680.2, NM_001364682.1); c.333+610G>A (NM_001278188.2); c.531+610G>A (NM_001278190.2, NM_153649.4, NM_001043352.2 and 2 more transcripts).
Identifiers: ClinVar variation 2639367 (VCV002639367.27), dbSNP rs779661767, ClinGen allele CA1125588.

ClinVar aggregate classification (germline): Likely benign. Review status: criteria provided, multiple submitters, no conflicts (2 of 4 stars). 2 submissions from 2 submitters: Likely benign (2). Last evaluated 2023-08-01.

Conditions:
Congenital myopathy 4B, autosomal recessive. Also called: Nemaline myopathy 1, autosomal dominant or recessive. Identifiers: Orphanet 171433, Orphanet 171439, Orphanet 171881, MedGen C5829889, MONDO:0012239, OMIM 609284.
Congenital myopathy with fiber type disproportion. Also called: Congenital fiber-type disproportion myopathy; Congenital fiber-type disproportion. Identifiers: Orphanet 2020, MedGen C0546264, MONDO:0009711. Inheritance: all.

Allele frequency attached by ClinVar (database versions not stated): ExAC 0.00001; gnomAD 0.00001; gnomAD exomes 0.00001; TOPMed 0.00001.
gnomAD v4.1: 15 of 1,614,054 alleles (0.00093%); highest among the groups gnomAD compares: East Asian, 0.0022%; no homozygotes.

Submissions (2):

CeGaT Center for Human Genetics Tuebingen
Classification: Likely benign. Last evaluated: 2023-08-01. Review status: criteria provided, single submitter. Criteria: CeGaT Center For Human Genetics Tuebingen Variant Classification Criteria Version 2. Collection method: clinical testing. Allele origin: germline. Affected: yes. Observed: 1 variant allele.
Comment: TPM3: BP4, BP7

Labcorp Genetics (formerly Invitae), Labcorp
Classification: Likely benign for Congenital myopathy with fiber type disproportion; Congenital myopathy 4B, autosomal recessive. Last evaluated: 2023-05-16. Review status: criteria provided, single submitter. Criteria: Invitae Variant Classification Sherloc (09022015). Collection method: clinical testing. Allele origin: germline.